The following is an entry in ClinVar:

NM_001042492.3(NF1):c.3816G>T (p.Gln1272His)

Gene: NF1 (neurofibromin 1; plus strand). Cytogenetic location: 17q11.2.
Variant type: single nucleotide variant.
Coding change: c.3816G>T on transcript NM_001042492.3 (MANE Select); coding-DNA position 3816, G replaced by T.
Protein change: p.Gln1272His; replaces glutamine 1272 with histidine.
Molecular consequence: missense variant.
Genome position (GRCh38, 1-based): chr17:31,235,718, G>T. VCF-style: chr17-31235718-G-T. GRCh37 (hg19) VCF-style: chr17-29562736-G-T.
Other names: c.3816G>T, p.Gln1272His (NM_000267.4); short protein forms Q1272H.
Identifiers: ClinVar variation 4800760 (VCV004800760.1).

ClinVar aggregate classification (germline): Uncertain significance (1 of 4 stars; one submission).

Conditions:
Neurofibromatosis, type 1 (NF1). Also called: VON RECKLINGHAUSEN DISEASE; Neurofibromatosis, type I; NEUROFIBROMATOSIS, TYPE I, SOMATIC; Peripheral type neurofibromatosis. Identifiers: Orphanet 636, MedGen C0027831, MONDO:0018975, OMIM 162200. Disease mechanism: loss of function.

gnomAD v4.1: 1 of 1,614,150 alleles (0.000062%); highest among the groups gnomAD compares: Non-Finnish European, 0.000085%; no homozygotes.

Submission:

Labcorp Genetics (formerly Invitae), Labcorp
Classification: Uncertain significance for Neurofibromatosis, type 1. Last evaluated: 2025-03-05. Review status: criteria provided, single submitter. Criteria: Invitae Variant Classification Sherloc (09022015). Collection method: clinical testing. Allele origin: germline.
Comment: This sequence change replaces glutamine, which is neutral and polar, with histidine, which is basic and polar, at codon 1272 of the NF1 protein (p.Gln1272His). This variant is not present in population databases (gnomAD no frequency). This variant has not been reported in the literature in individuals affected with NF1-related conditions. Invitae Evidence Modeling of protein sequence and biophysical properties (such as structural, functional, and spatial information, amino acid conservation, physicochemical variation, residue mobility, and thermodynamic stability) indicates that this missense variant is expected to disrupt NF1 protein function with a positive predictive value of 95%. In summary, the available evidence is currently insufficient to determine the role of this variant in disease. Therefore, it has been classified as a Variant of Uncertain Significance.